The following is an entry in ClinVar:

NM_001276270.2(MBD4):c.687A>C (p.Arg229Ser)

Gene: MBD4 (methyl-CpG binding domain 4, DNA glycosylase; minus strand). Cytogenetic location: 3q21.3.
Variant type: single nucleotide variant.
Coding change: c.687A>C on transcript NM_001276270.2 (MANE Select); coding-DNA position 687, A replaced by C.
Protein change: p.Arg229Ser; replaces arginine 229 with serine.
Molecular consequence: missense variant. On other transcripts: intron variant (1).
Genome position (GRCh38, 1-based): chr3:129,436,957, T>G on the plus strand (A>C on the coding strand, the complement: MBD4 is on the minus strand). VCF-style: chr3-129436957-T-G. GRCh37 (hg19) VCF-style: chr3-129155800-T-G.
Other names: c.687A>C, p.Arg229Ser (NM_001276271.2, NM_001276272.2, NM_003925.3); c.247+851A>C (NM_001276273.2); short protein forms R229S.
Identifiers: ClinVar variation 4827732 (VCV004827732.1).

ClinVar aggregate classification (germline): Uncertain significance (1 of 4 stars; one submission).

Conditions:
Inborn genetic diseases. Identifiers: MedGen C0950123, MeSH D030342.

Submission:

Ambry Genetics
Classification: Uncertain significance for Inborn genetic diseases. Last evaluated: 2026-03-14. Review status: criteria provided, single submitter. Criteria: Ambry Variant Classification Scheme 2023. Collection method: clinical testing. Allele origin: germline.
Comment: The p.R229S variant (also known as c.687A>C), located in coding exon 3 of the MBD4 gene, results from an A to C substitution at nucleotide position 687. The arginine at codon 229 is replaced by serine, an amino acid with dissimilar properties. This amino acid position is conserved. In addition, the in silico prediction for this alteration is inconclusive. Based on the available evidence, the clinical significance of this variant remains unclear.